The following is an entry in ClinVar:

NM_018723.4(RBFOX1):c.490G>T (p.Glu164Ter)

Gene: RBFOX1 (RNA binding fox-1 homolog 1; plus strand). Cytogenetic location: 16p13.3.
Variant type: single nucleotide variant.
Coding change: c.490G>T on transcript NM_018723.4 (MANE Select); coding-DNA position 490, G replaced by T.
Protein change: p.Glu164Ter; replaces glutamic acid 164 with a stop codon.
Molecular consequence: nonsense.
Genome position (GRCh38, 1-based): chr16:7,595,570, G>T. VCF-style: chr16-7595570-G-T. GRCh37 (hg19) VCF-style: chr16-7645572-G-T.
Other names: c.490G>T, p.Glu164Ter (NM_001142333.2, NM_001142334.2, NM_001364800.2); c.619G>T, p.Glu207Ter (NM_001308117.1); c.550G>T, p.Glu184Ter (NM_145891.3, NM_145892.3, NM_145893.3); short protein forms E164*, E184*, E207*.
Identifiers: ClinVar variation 1410912 (VCV001410912.7), dbSNP rs2094642630, ClinGen allele CA394682837.

ClinVar aggregate classification (germline): Uncertain significance. Review status: criteria provided, multiple submitters, no conflicts (2 of 4 stars). 2 submissions from 2 submitters: Uncertain significance (2). Last evaluated 2024-10-04.

Conditions:
Idiopathic generalized epilepsy. Also called: EIG; Generalised epilepsy. Identifiers: MedGen C0270850, MONDO:0005579, OMIM 600669.

Submissions (2):

Blueprint Genetics
Classification: Uncertain significance. Last evaluated: 2024-10-04. Review status: criteria provided, single submitter. Criteria: ACMG Guidelines, 2015. Collection method: clinical testing. Allele origin: germline.

Labcorp Genetics (formerly Invitae), Labcorp
Classification: Uncertain significance for Idiopathic generalized epilepsy. Last evaluated: 2022-06-13. Review status: criteria provided, single submitter. Criteria: Invitae Variant Classification Sherloc (09022015). Collection method: clinical testing. Allele origin: germline.
Comment: This sequence change creates a premature translational stop signal (p.Glu184*) in the RBFOX1 gene. It is expected to result in an absent or disrupted protein product. However, the current clinical and genetic evidence is not sufficient to establish whether loss-of-function variants in RBFOX1 cause disease. This variant is not present in population databases (gnomAD no frequency). In summary, the available evidence is currently insufficient to determine the role of this variant in disease. Therefore, it has been classified as a Variant of Uncertain Significance. Algorithms developed to predict the effect of sequence changes on RNA splicing suggest that this variant may disrupt the consensus splice site. This variant has not been reported in the literature in individuals affected with RBFOX1-related conditions.